The following is an entry in ClinVar:

ClinVar aggregate classification (germline): Pathogenic (1 of 4 stars; one submission).

Conditions:
Carnitine palmitoyltransferase II deficiency. Also called: Carnitine Palmitoyltransferase 2 Deficiency. Identifiers: Orphanet 157, MedGen C0342790, MONDO:0015515.

Submission:

Labcorp Genetics (formerly Invitae), Labcorp
Classification: Pathogenic for Carnitine palmitoyltransferase II deficiency. Last evaluated: 2020-03-14. Review status: criteria provided, single submitter. Criteria: Invitae Variant Classification Sherloc (09022015). Collection method: clinical testing. Allele origin: germline.
Comment: This variant is a gross deletion of the genomic region encompassing exons 1-3 of the CPT2 gene, which includes the initiator codon. The 5' end of this event is unknown as it extends beyond the assayed region for this gene and therefore may encompass additional genes. The 3' boundary is likely confined to intron 3 of the CPT2 gene. This is expected to result in an absent or disrupted protein product. This variant has not been reported in the literature in individuals with CPT2-related conditions. Loss-of-function variants in CPT2 are known to be pathogenic (PMID: 16781677, 16996287). For these reasons, this variant has been classified as Pathogenic.

Literature cited by the submitters: PubMed 16781677; PubMed 16996287.

NC_000001.10:g.(?_53662606)_(53668111_?)del

Gene: CPT2 (carnitine palmitoyltransferase 2; plus strand). Cytogenetic location: 1p32.3.
Variant type: Deletion.
Identifiers: ClinVar variation 1076747 (VCV001076747.1).